The following is an entry in ClinVar:

ClinVar aggregate classification (germline): Uncertain significance (1 of 4 stars; one submission).

Conditions:
RYR1-related disorder. Also called: RYR1-related disorders; RYR1-related condition. Identifiers: MedGen CN239331.

Submission:

Labcorp Genetics (formerly Invitae), Labcorp
Classification: Uncertain significance for RYR1-Related Disorders. Last evaluated: 2018-04-27. Review status: criteria provided, single submitter. Criteria: Invitae Variant Classification Sherloc (09022015). Collection method: clinical testing. Allele origin: germline.
Comment: This sequence change replaces glycine with arginine at codon 3974 of the RYR1 protein (p.Gly3974Arg). The glycine residue is moderately conserved and there is a moderate physicochemical difference between glycine and arginine. This variant is not present in population databases (ExAC no frequency). This variant has not been reported in the literature in individuals with RYR1-related disease. Algorithms developed to predict the effect of missense changes on protein structure and function do not agree on the potential impact of this missense change (SIFT: "Tolerated"; PolyPhen-2: "Possibly Damaging"; Align-GVGD: "Class C0"). In summary, the available evidence is currently insufficient to determine the role of this variant in disease. Therefore, it has been classified as a Variant of Uncertain Significance.

NM_000540.3(RYR1):c.11920G>C (p.Gly3974Arg)

Gene: RYR1 (ryanodine receptor 1; plus strand). Cytogenetic location: 19q13.2.
Variant type: single nucleotide variant.
Coding change: c.11920G>C on transcript NM_000540.3 (MANE Select); coding-DNA position 11920, G replaced by C.
Protein change: p.Gly3974Arg; replaces glycine 3974 with arginine.
Molecular consequence: missense variant.
Genome position (GRCh38, 1-based): chr19:38,543,783, G>C. VCF-style: chr19-38543783-G-C. GRCh37 (hg19) VCF-style: chr19-39034423-G-C.
Other names: c.11905G>C, p.Gly3969Arg (NM_001042723.2); short protein forms G3974R, G3969R.
Identifiers: ClinVar variation 570569 (VCV000570569.1), dbSNP rs774432541, ClinGen allele CA405662733.